The following is an entry in ClinVar:

NM_001127644.2(GABRA1):c.263C>A (p.Thr88Lys)

Gene: GABRA1 (gamma-aminobutyric acid type A receptor subunit alpha1; plus strand). Cytogenetic location: 5q34.
Variant type: single nucleotide variant.
Coding change: c.263C>A on transcript NM_001127644.2 (MANE Select); coding-DNA position 263, C replaced by A.
Protein change: p.Thr88Lys; replaces threonine 88 with lysine.
Molecular consequence: missense variant.
Genome position (GRCh38, 1-based): chr5:161,873,124, C>A. VCF-style: chr5-161873124-C-A. GRCh37 (hg19) VCF-style: chr5-161300130-C-A.
Other names: c.263C>A, p.Thr88Lys (NM_000806.5, NM_001127643.2, NM_001127645.2 and 1 more transcripts); short protein forms T88K.
Identifiers: ClinVar variation 4686527 (VCV004686527.1).

ClinVar aggregate classification (germline): Uncertain significance (1 of 4 stars; one submission).

Submission:

GeneDx
Classification: Uncertain significance. Last evaluated: 2025-07-17. Review status: criteria provided, single submitter. Criteria: GeneDx Variant Classification Process June 2021. Collection method: clinical testing. Allele origin: germline. Affected: yes.
Comment: Not observed at significant frequency in large population cohorts (gnomAD); In silico analysis supports that this missense variant has a deleterious effect on protein structure/function; In silico analysis supports a deleterious effect on splicing; Has not been previously published as pathogenic or benign to our knowledge